The following is an entry in ClinVar:

NM_032444.4(SLX4):c.2160+50C>T

Gene: SLX4 (SLX4 structure-specific endonuclease subunit; minus strand). Cytogenetic location: 16p13.3.
Variant type: single nucleotide variant.
Coding change: c.2160+50C>T on transcript NM_032444.4 (MANE Select); 50 bases into the intron after coding-DNA position 2160, C replaced by T.
Molecular consequence: intron variant.
Genome position (GRCh38, 1-based): chr16:3,594,403, G>A on the plus strand (C>T on the coding strand, the complement: SLX4 is on the minus strand). VCF-style: chr16-3594403-G-A. GRCh37 (hg19) VCF-style: chr16-3644404-G-A.
Other names: c.2160+50C>T (LRG_503t1, NM_032444.3).
Identifiers: ClinVar variation 262042 (VCV000262042.6), dbSNP rs75762935, ClinGen allele CA7866251.

ClinVar aggregate classification (germline): Benign. Review status: criteria provided, multiple submitters, no conflicts (2 of 4 stars). 5 submissions from 5 submitters: Benign (4). 1 of the submissions does not count toward it. Last evaluated 2023-07-07.

Conditions:
Fanconi anemia complementation group P. Also called: SLX4-Related Fanconi Anemia. Identifiers: Orphanet 84, MedGen C3469542, MONDO:0013499, OMIM 613951.

Allele frequency attached by ClinVar (database versions not stated): 1000 Genomes Project 0.05451; 1000 Genomes Project 30x 0.05637; gnomAD exomes 0.06032 and 0.06296; ExAC 0.06139; TOPMed 0.06237; gnomAD 0.06296 and 0.06369; ESP Exome Variant Server 0.06443.
gnomAD v4.1: 99,310 of 1,581,086 alleles (6.3%); highest among the groups gnomAD compares: Admixed American, 6.8%; 3,330 homozygotes.

Submissions (5):

KCCC/NGS Laboratory, Kuwait Cancer Control Center
Classification: Benign for Fanconi anemia complementation group P. Last evaluated: 2023-07-07. Review status: criteria provided, single submitter. Criteria: ACMG Guidelines, 2015. Collection method: clinical testing. Allele origin: germline. Affected: yes.

GeneDx
Classification: Benign. Last evaluated: 2019-02-24. Review status: criteria provided, single submitter. Criteria: GeneDx Variant Classification Process June 2021. Collection method: clinical testing. Allele origin: germline. Affected: yes.

Breakthrough Genomics
Classification: Benign. Review status: criteria provided, single submitter. Criteria: ACMG Guidelines, 2015. Collection method: not provided. Allele origin: germline. Inheritance: Autosomal recessive inheritance. Affected: yes.

PreventionGenetics, part of Exact Sciences
Classification: Benign. Review status: criteria provided, single submitter. Criteria: ACMG Guidelines, 2015. Collection method: clinical testing. Allele origin: germline.

Leiden Open Variation Database
Classification: Likely benign. Last evaluated: 2012-08-31. Review status: no assertion criteria provided. Collection method: curation. Allele origin: germline. Affected: yes. Not counted in ClinVar's aggregate classification.
Comment: Curator: Arleen D. Auerbach. Submitter to LOVD: Janine Bakker.

Literature cited by the submitters: PubMed 22911665 (cited by Leiden Open Variation Database).